The following is an entry in ClinVar:

NM_001267550.2(TTN):c.2138G>A (p.Arg713Gln)

Gene: TTN (titin; minus strand). Cytogenetic location: 2q31.2.
Variant type: single nucleotide variant.
Coding change: c.2138G>A on transcript NM_001267550.2 (MANE Select); coding-DNA position 2138, G replaced by A.
Protein change: p.Arg713Gln; replaces arginine 713 with glutamine.
Molecular consequence: missense variant.
Genome position (GRCh38, 1-based): chr2:178,786,080, C>T on the plus strand (G>A on the coding strand, the complement: TTN is on the minus strand). VCF-style: chr2-178786080-C-T. GRCh37 (hg19) VCF-style: chr2-179650807-C-T.
Other names: c.2000G>A, p.Arg667Gln (NM_003319.4, NM_133432.3, NM_133437.4); c.2138G>A, p.Arg713Gln (NM_133378.4, NM_001256850.1, NM_133379.5); short protein forms R713Q, R667Q.
Identifiers: ClinVar variation 332967 (VCV000332967.13), dbSNP rs761383124, ClinGen allele CA2005889.
Genomic context (GRCh38, chr2:178,786,080, plus strand): 5'-AAAGTGGTCTGCTGAGCATAGGATTCTTCAAGATGCCCAGGCTCTCTGGGCTCTCTGACT[C>T]GGGCCTGGTCTACTGCAGCAACAACTGTTGCTACAGCTTCAGCCTTTTTTCCAACGTCCA-3'
Protein context (NP_001254479.2, residues 703-723): ATVVAAVDQA[Arg713Gln]VREPREPGHL

ClinVar aggregate classification (germline): Conflicting classifications of pathogenicity. Review status: criteria provided, conflicting classifications (1 of 4 stars). 9 submissions from 5 submitters: Uncertain significance (8); Likely benign (1). Last evaluated 2026-05-28.

Conditions:
Cardiovascular phenotype. Identifiers: MedGen CN230736.
Early-onset myopathy with fatal cardiomyopathy (CMYO5). Also called: CONGENITAL MYOPATHY 5 WITH CARDIOMYOPATHY; Salih Myopathy. Identifiers: Orphanet 289377, MedGen C2673677, MONDO:0012714, OMIM 611705. Disease mechanism: loss of function.
Autosomal recessive limb-girdle muscular dystrophy type 2J (LGMDR10). Also called: MUSCULAR DYSTROPHY, LIMB-GIRDLE, AUTOSOMAL RECESSIVE 10; Limb-girdle muscular dystrophy, type 2J. Identifiers: Orphanet 140922, MedGen C1837342, MONDO:0012127, OMIM 608807.
Tibial muscular dystrophy (TMD). Also called: Udd Distal Myopathy – Tibial Muscular Dystrophy; UDD MYOPATHY; Tibial muscular dystrophy, tardive. Identifiers: Orphanet 609, MedGen C1838244, MONDO:0010870, OMIM 600334.
Dilated cardiomyopathy 1G (CMD1G). Identifiers: Orphanet 154, MedGen C1858763, MONDO:0011400, OMIM 604145.
Myopathy, myofibrillar, 9, with early respiratory failure (MFM9). Also called: Myopathy, distal, with early respiratory failure, autosomal dominant; Hereditary myopathy with early respiratory failure; EDSTROM MYOPATHY; MYOPATHY, PROXIMAL, WITH EARLY RESPIRATORY MUSCLE INVOLVEMENT. Identifiers: Orphanet 178464, Orphanet 34521, MedGen C1863599, MONDO:0011362, OMIM 603689.

Allele frequency attached by ClinVar (database versions not stated): ExAC 0.00002; gnomAD exomes 0.00002 and 0.00003; gnomAD 0.00003; TOPMed 0.00003.
gnomAD v4.1: 43 of 1,613,962 alleles (0.0027%); highest among the groups gnomAD compares: Admixed American, 0.0067%; no homozygotes.

Submissions (9):

Women's Health and Genetics/Laboratory Corporation of America, LabCorp
Classification: Uncertain significance. Last evaluated: 2026-05-28. Review status: criteria provided, single submitter. Criteria: LabCorp Variant Classification Summary - May 2015. Collection method: clinical testing. Allele origin: germline.
Comment: Variant summary: TTN c.2138G>A (p.Arg713Gln) results in a conservative amino acid change in the encoded protein sequence. Algorithms developed to predict the effect of missense changes on protein structure and function are either unavailable or do not agree on the potential impact of this missense change. The variant allele was found at a frequency of 1.6e-05 in 250648 control chromosomes. The available data on variant occurrences in the general population are insufficient to allow any conclusion about variant significance. c.2138G>A has been observed in individual(s) affected with Bannayan-Riley-Ruvalcaba syndrome without evidence for causality (e.g. Yehia_2017). These report(s) do not provide unequivocal conclusions about association of the variant with disease. To our knowledge, no experimental evidence demonstrating an impact on protein function has been reported. The following publication has been ascertained in the context of this evaluation (PMID: 29263846). ClinVar contains an entry for this variant (Variation ID: 332967). Based on the evidence outlined above, the variant was classified as uncertain significance.

Molecular Diagnostic Laboratory for Inherited Cardiovascular Disease, Montreal Heart Institute
Classification: Likely benign. Last evaluated: 2025-04-09. Review status: criteria provided, single submitter. Criteria: ACMG Guidelines, 2015. Collection method: clinical testing. Allele origin: germline. Affected: no.

Revvity Omics, Revvity
Classification: Uncertain significance. Last evaluated: 2019-08-30. Review status: criteria provided, single submitter. Criteria: ACMG Guidelines, 2015. Collection method: clinical testing. Allele origin: germline.

Illumina Laboratory Services, Illumina
Classification: Uncertain significance for Dilated cardiomyopathy 1G. Last evaluated: 2018-01-13. Review status: criteria provided, single submitter. Criteria: ICSL Variant Classification Criteria 13 December 2019. Collection method: clinical testing. Allele origin: germline.

Illumina Laboratory Services, Illumina
Classification: Uncertain significance for Tibial muscular dystrophy. Last evaluated: 2018-01-13. Review status: criteria provided, single submitter. Criteria: ICSL Variant Classification Criteria 13 December 2019. Collection method: clinical testing. Allele origin: germline.

Illumina Laboratory Services, Illumina
Classification: Uncertain significance for Early-onset myopathy with fatal cardiomyopathy. Last evaluated: 2018-01-13. Review status: criteria provided, single submitter. Criteria: ICSL Variant Classification Criteria 13 December 2019. Collection method: clinical testing. Allele origin: germline.

Illumina Laboratory Services, Illumina
Classification: Uncertain significance for Autosomal recessive limb-girdle muscular dystrophy type 2J. Last evaluated: 2018-01-13. Review status: criteria provided, single submitter. Criteria: ICSL Variant Classification Criteria 13 December 2019. Collection method: clinical testing. Allele origin: germline.

Illumina Laboratory Services, Illumina
Classification: Uncertain significance for Myopathy, myofibrillar, 9, with early respiratory failure. Last evaluated: 2018-01-13. Review status: criteria provided, single submitter. Criteria: ICSL Variant Classification Criteria 13 December 2019. Collection method: clinical testing. Allele origin: germline.

Ambry Genetics
Classification: Uncertain significance for Cardiovascular phenotype. Last evaluated: 2016-11-09. Review status: criteria provided, single submitter. Criteria: Ambry Variant Classification Scheme 2023. Collection method: clinical testing. Allele origin: germline.
Comment: The p.R667Q variant (also known as c.2000G>A), located in coding exon 12 of the TTN gene, results from a G to A substitution at nucleotide position 2000. The arginine at codon 667 is replaced by glutamine, an amino acid with highly similar properties, and is located in the Z-disk region of the N2-B isoform of the titin protein. Based on data from ExAC, the A allele has an overall frequency less than 0.01% (2/105760). This amino acid position is highly conserved in available vertebrate species. In addition, the in silico prediction for this alteration is inconclusive. Since supporting evidence is limited at this time, the clinical significance of this alteration remains unclear.

Literature cited by the submitters: PubMed 29263846 (cited by Women's Health and Genetics/Laboratory Corporation of America, LabCorp).